The following is an entry in ClinVar:

ClinVar aggregate classification (germline): Benign. Review status: criteria provided, multiple submitters, no conflicts (2 of 4 stars). 6 submissions from 6 submitters: Benign (6). Last evaluated 2026-02-04.

Conditions:
TMEM165-congenital disorder of glycosylation. Also called: Congenital disorder of glycosylation type 2k; TMEM165-CDG; CDG IIk. Identifiers: Orphanet 314667, MedGen C3553571, MONDO:0013870, OMIM 614727.

Allele frequency attached by ClinVar (database versions not stated): gnomAD 0.71708 and 0.71943; 1000 Genomes Project 30x 0.75468; 1000 Genomes Project 0.75519; ExAC 0.77214; gnomAD exomes 0.65684 and 0.70452; TOPMed 0.71543.
gnomAD v4.1: 953,735 of 1,436,182 alleles (66%); highest among the groups gnomAD compares: African/African-American, 84%; 319,912 homozygotes.

Submissions (6):

Labcorp Genetics (formerly Invitae), Labcorp
Classification: Benign for TMEM165-congenital disorder of glycosylation. Last evaluated: 2026-02-04. Review status: criteria provided, single submitter. Criteria: Invitae Variant Classification Sherloc (09022015). Collection method: clinical testing. Allele origin: germline.

Genome-Nilou Lab
Classification: Benign for TMEM165-congenital disorder of glycosylation. Last evaluated: 2021-09-10. Review status: criteria provided, single submitter. Criteria: ACMG Guidelines, 2015. Collection method: clinical testing. Allele origin: germline. Affected: no.

Mayo Clinic Laboratories, Mayo Clinic
Classification: Benign. Last evaluated: 2018-10-02. Review status: criteria provided, single submitter. Criteria: ACMG Guidelines, 2015. Collection method: clinical testing. Allele origin: germline. Observed: 42 variant alleles.

Eurofins Ntd Llc (ga)
Classification: Benign. Last evaluated: 2017-07-07. Review status: criteria provided, single submitter. Criteria: EGL Classification Definitions 2015. Collection method: clinical testing. Allele origin: germline. Observed: 8 variant alleles, 3 heterozygotes, 5 homozygotes.

GeneDx
Classification: Benign. Last evaluated: 2015-12-02. Review status: criteria provided, single submitter. Criteria: GeneDx Variant Classification (06012015). Collection method: clinical testing. Allele origin: germline. Affected: yes.
Comment: This variant is considered likely benign or benign based on one or more of the following criteria: it is a conservative change, it occurs at a poorly conserved position in the protein, it is predicted to be benign by multiple in silico algorithms, and/or has population frequency not consistent with disease.

Breakthrough Genomics
Classification: Benign. Review status: criteria provided, single submitter. Criteria: ACMG Guidelines, 2015. Collection method: not provided. Allele origin: germline. Inheritance: Autosomal recessive inheritance. Affected: yes.

NM_018475.5(TMEM165):c.18A>G (p.Pro6=)

Genes: TMEM165 (transmembrane protein 165; plus strand), LOC129992613 (ATAC-STARR-seq lymphoblastoid silent region 15439; plus strand). Cytogenetic location: 4q12.
Variant type: single nucleotide variant.
Coding change: c.18A>G on transcript NM_018475.5 (MANE Select); coding-DNA position 18, A replaced by G.
Protein change: p.Pro6=; no amino-acid change (proline 6 retained).
Molecular consequence: synonymous variant. On other transcripts: non-coding transcript variant (1).
Genome position (GRCh38, 1-based): chr4:55,396,207, A>G. VCF-style: chr4-55396207-A-G. GRCh37 (hg19) VCF-style: chr4-56262374-A-G.
Other names: p.Pro6=.
Identifiers: ClinVar variation 193395 (VCV000193395.22), dbSNP rs1128141, ClinGen allele CA200552.
Genomic context (GRCh38, chr4:55,396,207, plus strand): 5'-CTTCCTCTTGCGGCGCCCGTGCGCGGCCGGCCCGGCAGGCGGGATGGCGGCCGCGGCTCC[A>G]GGGAACGGCCGCGCATCGGCGCCCCGGCTGCTTCTGCTCTTTCTGGTTCCGCTGCTGTGG-3'
Protein context (NP_060945.2, residues 1-16): MAAAA[Pro6=]GNGRASAPRL